The following is an entry in ClinVar:

ClinVar aggregate classification (germline): Likely benign (1 of 4 stars; one submission).

Conditions:
CPSF1-related disorder. Also called: CPSF1-related condition.

Submission:

PreventionGenetics, part of Exact Sciences
Classification: Likely benign for CPSF1-related condition. Last evaluated: 2026-04-20. Review status: criteria provided, single submitter. Criteria: ACMG Guidelines, 2015. Collection method: clinical testing. Allele origin: germline.
Comment: This variant is classified as likely benign based on ACMG/AMP sequence variant interpretation guidelines (Richards et al. 2015 PMID: 25741868, with internal and published modifications).

NM_013291.3(CPSF1):c.696C>T (p.Ala232=)

Gene: CPSF1 (cleavage and polyadenylation specific factor 1; minus strand). Cytogenetic location: 8q24.3.
Variant type: single nucleotide variant.
Coding change: c.696C>T on transcript NM_013291.3 (MANE Select); coding-DNA position 696, C replaced by T.
Protein change: p.Ala232=; no amino-acid change (alanine 232 retained).
Molecular consequence: synonymous variant.
Genome position (GRCh38, 1-based): chr8:144,400,484, G>A on the plus strand (C>T on the coding strand, the complement: CPSF1 is on the minus strand). VCF-style: chr8-144400484-G-A. GRCh37 (hg19) VCF-style: chr8-145625878-G-A.
Identifiers: ClinVar variation 4982974 (VCV004982974.1).
Genomic context (GRCh38, chr8:144,400,484, plus strand): 5'-GTGCACCTTCTGCGTGATGTTCAGTGAGATGGCCACAATGGAGCACGTGTCCTGCCGCAC[G>A]GCCACGCGCCTGGGGACGCCAGTGGGTCAGCCAAGGGCCTTGCCTCCCCGCAGAGACCCA-3'
Protein context (NP_037423.2, residues 222-242): EPNQTWPGRV[Ala232=]VRQDTCSIVA